The following is an entry in ClinVar:

NM_152564.5(VPS13B):c.8859_8862dup (p.Thr2955Ter)

Gene: VPS13B (vacuolar protein sorting 13 homolog B; plus strand). Cytogenetic location: 8q22.2.
Variant type: Duplication.
Coding change: c.8859_8862dup on transcript NM_152564.5 (MANE Select); coding-DNA positions 8859 to 8862, 4 bases duplicated (TAGA; older notation c.8859_8862dupTAGA).
Protein change: p.Thr2955Ter; replaces threonine 2955 with a stop codon.
Molecular consequence: nonsense.
Genome position (GRCh38, 1-based): chr8:99,819,987-99,819,990, TAGA duplicated. VCF-style (leftmost placement, unchanged base first): chr8-99819986-T-TTAGA. GRCh37 (hg19) VCF-style: chr8-100832214-T-TTAGA.
Other names: c.8934_8937dup, p.Thr2980Ter (NM_017890.5); short protein forms T2980*, T2955*.
Identifiers: ClinVar variation 1399099 (VCV001399099.6), dbSNP rs2130817608, ClinGen allele CA2573143490.

ClinVar aggregate classification (germline): Pathogenic (1 of 4 stars; one submission).

Conditions:
Cohen syndrome (COH1). Also called: PEPPER SYNDROME; Cutis verticis gyrata, retinitis pigmentosa, and sensorineural deafness. Identifiers: Orphanet 193, MedGen C0265223, MONDO:0008999, OMIM 216550.

Submission:

Labcorp Genetics (formerly Invitae), Labcorp
Classification: Pathogenic for Cohen syndrome. Last evaluated: 2022-06-09. Review status: criteria provided, single submitter. Criteria: Invitae Variant Classification Sherloc (09022015). Collection method: clinical testing. Allele origin: germline.
Comment: For these reasons, this variant has been classified as Pathogenic. Algorithms developed to predict the effect of sequence changes on RNA splicing suggest that this variant may disrupt the consensus splice site. This variant has not been reported in the literature in individuals affected with VPS13B-related conditions. This variant is not present in population databases (gnomAD no frequency). This sequence change creates a premature translational stop signal (p.Thr2980*) in the VPS13B gene. It is expected to result in an absent or disrupted protein product. Loss-of-function variants in VPS13B are known to be pathogenic (PMID: 15141358, 16648375, 20461111).

Literature cited by the submitters: PubMed 15141358; PubMed 16648375; PubMed 20461111.